The following is an entry in ClinVar:

NM_006269.2(RP1):c.593T>C (p.Leu198Pro)

Gene: RP1 (RP1 axonemal microtubule associated; plus strand). Cytogenetic location: 8q12.1.
Variant type: single nucleotide variant.
Coding change: c.593T>C on transcript NM_006269.2 (MANE Select); coding-DNA position 593, T replaced by C.
Protein change: p.Leu198Pro; replaces leucine 198 with proline.
Molecular consequence: missense variant.
Genome position (GRCh38, 1-based): chr8:54,621,559, T>C. VCF-style: chr8-54621559-T-C. GRCh37 (hg19) VCF-style: chr8-55534119-T-C.
Other names: c.593T>C, p.Leu198Pro (NM_001375654.1); short protein forms L198P.
Identifiers: ClinVar variation 1711674 (VCV001711674.30), dbSNP rs2536558167, ClinGen allele CA370987371.

ClinVar aggregate classification (germline): Uncertain significance (1 of 4 stars; one submission).

Submission:

CeGaT Center for Human Genetics Tuebingen
Classification: Uncertain significance. Last evaluated: 2022-08-01. Review status: criteria provided, single submitter. Criteria: CeGaT Center For Human Genetics Tuebingen Variant Classification Criteria Version 2. Collection method: clinical testing. Allele origin: germline. Affected: yes. Observed: 1 variant allele.
Comment: RP1: PM2, PP4